The following is an entry in ClinVar:

NM_000321.3(RB1):c.1519_1523dup (p.Gly509fs)

Gene: RB1 (RB transcriptional corepressor 1; plus strand). Cytogenetic location: 13q14.2.
Variant type: Duplication.
Coding change: c.1519_1523dup on transcript NM_000321.3 (MANE Select); coding-DNA positions 1519 to 1523, 5 bases duplicated (GATTC; older notation c.1519_1523dupGATTC).
Protein change: p.Gly509fs; shifts the reading frame from glycine 509.
Molecular consequence: frameshift variant.
Genome position (GRCh38, 1-based): chr13:48,381,267-48,381,271, GATTC duplicated. VCF-style (leftmost placement, unchanged base first): chr13-48381266-T-TGATTC. GRCh37 (hg19) VCF-style: chr13-48955402-T-TGATTC.
Other names: short protein forms G509fs.
Identifiers: ClinVar variation 1070129 (VCV001070129.9), dbSNP rs2138144919, ClinGen allele CA2499222453.

ClinVar aggregate classification (germline): Pathogenic (1 of 4 stars; one submission).

Conditions:
Retinoblastoma (RB1). Also called: RETINOBLASTOMA, SOMATIC. Identifiers: Orphanet 790, MedGen C0035335, MeSH D012175, MONDO:0008380, OMIM 180200, HP:0009919. Disease mechanism: loss of function. Inheritance: Both sporadic and heritable forms are tested..

Submission:

Labcorp Genetics (formerly Invitae), Labcorp
Classification: Pathogenic for Retinoblastoma. Last evaluated: 2020-10-14. Review status: criteria provided, single submitter. Criteria: Invitae Variant Classification Sherloc (09022015). Collection method: clinical testing. Allele origin: germline.
Comment: For these reasons, this variant has been classified as Pathogenic. Loss-of-function variants in RB1 are known to be pathogenic (PMID: 17096365). This variant has been observed in individual(s) with retinoblastoma (Invitae). This variant is not present in population databases (ExAC no frequency). This sequence change creates a premature translational stop signal (p.Gly509Ilefs*12) in the RB1 gene. It is expected to result in an absent or disrupted protein product.

Literature cited by the submitters: PubMed 17096365.